The following is an entry in ClinVar:

ClinVar aggregate classification (germline): Pathogenic (1 of 4 stars; one submission).

Submission:

GeneDx
Classification: Pathogenic. Last evaluated: 2025-06-15. Review status: criteria provided, single submitter. Criteria: GeneDx Variant Classification Process June 2021. Collection method: clinical testing. Allele origin: germline. Affected: yes.
Comment: Observed in a family with acrodermatitis enteropathica in published literature, although a second SLC39A4 variant was not reported for this family (PMID: 19370757); Frameshift variant predicted to result in protein truncation or nonsense mediated decay in a gene for which loss of function is a known mechanism of disease; Not observed at significant frequency in large population cohorts (gnomAD); This variant is associated with the following publications: (PMID: 19370757)

NM_130849.4(SLC39A4):c.766del (p.Leu256fs)

Gene: SLC39A4 (solute carrier family 39 member 4; minus strand). Cytogenetic location: 8q24.3.
Variant type: Deletion.
Coding change: c.766del on transcript NM_130849.4 (MANE Select); coding-DNA position 766, one base deleted (C; older notation c.766delC).
Protein change: p.Leu256fs; shifts the reading frame from leucine 256.
Molecular consequence: frameshift variant.
Genome position (GRCh38, 1-based): chr8:144,415,012, G deleted on the plus strand (C on the coding strand, the reverse complement: SLC39A4 is on the minus strand); the first of 4 consecutive G bases (chr8:144,415,012-144,415,015); deleting any one gives the same sequence. VCF-style (leftmost placement, unchanged base first): chr8-144415011-AG-A. GRCh37 (hg19) VCF-style: chr8-145640395-AG-A.
Other names: c.484del, p.Leu162fs (NM_001374839.1); c.691del, p.Leu231fs (NM_017767.3); short protein forms L162fs, L231fs, L256fs.
Identifiers: ClinVar variation 4537836 (VCV004537836.1).